The following is an entry in ClinVar:

ClinVar aggregate classification (germline): Conflicting classifications of pathogenicity. Review status: criteria provided, conflicting classifications (1 of 4 stars). 6 submissions from 5 submitters: Uncertain significance (5); Likely benign (1). Last evaluated 2025-12-10.

Conditions:
Cardiovascular phenotype. Identifiers: MedGen CN230736.
Hereditary cancer-predisposing syndrome. Also called: Tumor predisposition; Hereditary Cancer Syndrome; Hereditary neoplastic syndrome; Neoplastic Syndromes, Hereditary. Identifiers: Orphanet 140162, MedGen C0027672, MeSH D009386, MONDO:0015356.
Neurofibromatosis, familial spinal (FSNF). Identifiers: Orphanet 636, MedGen C1834235, MONDO:0008078, OMIM 162210. Disease mechanism: loss of function.
Neurofibromatosis, type 1 (NF1). Also called: VON RECKLINGHAUSEN DISEASE; NEUROFIBROMATOSIS, TYPE I, SOMATIC; Peripheral type neurofibromatosis; Neurofibromatosis, type I. Identifiers: Orphanet 636, MedGen C0027831, MONDO:0018975, OMIM 162200. Disease mechanism: loss of function.
Neurofibromatosis-Noonan syndrome (NFNS). Also called: NEUROFIBROMATOSIS WITH NOONAN PHENOTYPE. Identifiers: Orphanet 638, MedGen C2931482, MONDO:0011035, OMIM 601321. Disease mechanism: loss of function.
Café-au-lait macules with pulmonary stenosis (WTSN). Also called: PULMONIC STENOSIS WITH CAFE-AU-LAIT SPOTS. Identifiers: MedGen C0553586, MONDO:0008672, OMIM 193520.
Juvenile myelomonocytic leukemia (JMML). Also called: LEUKEMIA, JUVENILE MYELOMONOCYTIC, SOMATIC. Identifiers: Orphanet 86834, MedGen C0349639, MONDO:0011908, OMIM 607785, HP:0012209.

Allele frequency attached by ClinVar (database versions not stated): gnomAD 0.00001; gnomAD exomes 0.00001; TOPMed 0.00001.
gnomAD v4.1: 9 of 1,613,772 alleles (0.00056%); highest among the groups gnomAD compares: Non-Finnish European, 0.00076%; no homozygotes.

Submissions (6):

Labcorp Genetics (formerly Invitae), Labcorp
Classification: Likely benign for Neurofibromatosis, type 1. Last evaluated: 2025-12-10. Review status: criteria provided, single submitter. Criteria: Invitae Variant Classification Sherloc (09022015). Collection method: clinical testing. Allele origin: germline.

Baylor Genetics
Classification: Uncertain significance for Juvenile myelomonocytic leukemia. Last evaluated: 2023-11-13. Review status: criteria provided, single submitter. Criteria: ACMG Guidelines, 2015. Collection method: clinical testing. Allele origin: unknown.

Ambry Genetics
Classification: Uncertain significance for Cardiovascular phenotype; Hereditary cancer-predisposing syndrome. Last evaluated: 2022-04-19. Review status: criteria provided, single submitter. Criteria: Ambry Variant Classification Scheme 2023. Collection method: clinical testing. Allele origin: germline.

Genome-Nilou Lab
Classification: Uncertain significance for Neurofibromatosis, type 1. Last evaluated: 2022-03-15. Review status: criteria provided, single submitter. Criteria: ACMG Guidelines, 2015. Collection method: clinical testing. Allele origin: germline. Affected: no.

Fulgent Genetics
Classification: Uncertain significance for Neurofibromatosis, type 1; Neurofibromatosis, familial spinal; Café-au-lait macules with pulmonary stenosis; Neurofibromatosis-Noonan syndrome; Juvenile myelomonocytic leukemia. Last evaluated: 2022-02-12. Review status: criteria provided, single submitter. Criteria: ACMG Guidelines, 2015. Collection method: clinical testing. Allele origin: unknown.

Ambry Genetics
Classification: Uncertain significance for Hereditary cancer-predisposing syndrome. Last evaluated: 2015-06-29. Review status: criteria provided, single submitter. Criteria: Ambry Autosomal Dominant and X-Linked criteria (10/2015). Collection method: clinical testing. Allele origin: germline. Observed: 1 variant allele.
Comment: The p.N935H variant (also known as c.2803A>C), located in coding exon 21 of the NF1 gene, results from an A to C substitution at nucleotide position 2803. The asparagine at codon 935 is replaced by histidine, an amino acid with similar properties. This variant was not reported in population based cohorts in the following databases: Database of Single Nucleotide Polymorphisms (dbSNP), NHLBI Exome Sequencing Project (ESP), and 1000 Genomes Project. In the ESP, this variant was not observed in 6502 samples (13004 alleles) with coverage at this position. To date, this alteration has been detected with an allele frequency of approximately 0.002% (greater than 55000alleles tested) in our clinical cohort.This amino acid position is highly conserved in available vertebrate species. In addition, the in silico prediction for this alteration is inconclusive.Since supporting evidence is limited at this time, the clinical significance of p.N935Hremains unclear.

NM_001042492.3(NF1):c.2803A>C (p.Asn935His)

Gene: NF1 (neurofibromin 1; plus strand). Cytogenetic location: 17q11.2.
Variant type: single nucleotide variant.
Coding change: c.2803A>C on transcript NM_001042492.3 (MANE Select); coding-DNA position 2803, A replaced by C.
Protein change: p.Asn935His; replaces asparagine 935 with histidine.
Molecular consequence: missense variant.
Genome position (GRCh38, 1-based): chr17:31,229,418, A>C. VCF-style: chr17-31229418-A-C. GRCh37 (hg19) VCF-style: chr17-29556436-A-C.
Other names: c.2803A>C, p.Asn935His (NM_000267.4); short protein forms N935H.
Identifiers: ClinVar variation 184962 (VCV000184962.16), dbSNP rs786201823, ClinGen allele CA190596.
Genomic context (GRCh38, chr17:31,229,418, plus strand): 5'-ACCAATGTTAAGGATCTGGTGGGTCTAGAATTGAGTCCTGCTCTGTATCCAATGCTATTT[A>C]ACAAATTGAAGAATACCATCAGCAAGTTTTTTGACTCCCAAGGACAGGTAAAGTGTTCTC-3'
Protein context (NP_001035957.1, residues 925-945): LSPALYPMLF[Asn935His]KLKNTISKFF